The following is an entry in ClinVar:

NM_007118.4(TRIO):c.277C>A (p.Arg93Ser)

Gene: TRIO (trio Rho guanine nucleotide exchange factor; plus strand). Cytogenetic location: 5p15.2.
Variant type: single nucleotide variant.
Coding change: c.277C>A on transcript NM_007118.4 (MANE Select); coding-DNA position 277, C replaced by A.
Protein change: p.Arg93Ser; replaces arginine 93 with serine.
Molecular consequence: missense variant. On other transcripts: non-coding transcript variant (1).
Genome position (GRCh38, 1-based): chr5:14,280,366, C>A. VCF-style: chr5-14280366-C-A. GRCh37 (hg19) VCF-style: chr5-14280475-C-A.
Other names: short protein forms R93S.
Identifiers: ClinVar variation 3369012 (VCV003369012.1).

ClinVar aggregate classification (germline): Uncertain significance (1 of 4 stars; one submission).

Submission:

GeneDx
Classification: Uncertain significance. Last evaluated: 2024-02-08. Review status: criteria provided, single submitter. Criteria: GeneDx Variant Classification Process June 2021. Collection method: clinical testing. Allele origin: germline. Affected: yes.
Comment: Not observed at significant frequency in large population cohorts (gnomAD); In silico analysis supports that this missense variant has a deleterious effect on protein structure/function; Has not been previously published as pathogenic or benign to our knowledge